The following is an entry in ClinVar:

NM_001371986.1(UNC80):c.3350G>C (p.Ser1117Thr)

Gene: UNC80 (unc-80 subunit of NALCN channel complex; plus strand). Cytogenetic location: 2q34.
Variant type: single nucleotide variant.
Coding change: c.3350G>C on transcript NM_001371986.1 (MANE Select); coding-DNA position 3350, G replaced by C.
Protein change: p.Ser1117Thr; replaces serine 1117 with threonine.
Molecular consequence: missense variant.
Genome position (GRCh38, 1-based): chr2:209,840,641, G>C. VCF-style: chr2-209840641-G-C. GRCh37 (hg19) VCF-style: chr2-210705365-G-C.
Other names: c.3356G>C, p.Ser1119Thr (NM_032504.2); c.3341G>C, p.Ser1114Thr (NM_182587.4); short protein forms S1114T, S1119T, S1117T.
Identifiers: ClinVar variation 1031503 (VCV001031503.16), dbSNP rs78499613, ClinGen allele CA2083114.

ClinVar aggregate classification (germline): Conflicting classifications of pathogenicity. Review status: criteria provided, conflicting classifications (1 of 4 stars). 7 submissions from 7 submitters: Uncertain significance (6); Likely benign (1). Last evaluated 2026-01-26.

Conditions:
Inborn genetic diseases. Identifiers: MedGen C0950123, MeSH D030342.
Hypotonia, infantile, with psychomotor retardation and characteristic facies 2 (IHPRF2). Also called: UNC80 Deficiency. Identifiers: Orphanet 371364, Orphanet 700333, MedGen C4225203, MONDO:0014777, OMIM 616801.

Allele frequency attached by ClinVar (database versions not stated): ESP Exome Variant Server 0.00066; gnomAD 0.00069 and 0.00073; 1000 Genomes Project 30x 0.00016; ExAC 0.00070; 1000 Genomes Project 0.00020; TOPMed 0.00051.
gnomAD v4.1: 1,210 of 1,551,850 alleles (0.078%); highest among the groups gnomAD compares: Non-Finnish European, 0.099%; 1 homozygote.

Submissions (7):

Labcorp Genetics (formerly Invitae), Labcorp
Classification: Likely benign. Last evaluated: 2026-01-26. Review status: criteria provided, single submitter. Criteria: Invitae Variant Classification Sherloc (09022015). Collection method: clinical testing. Allele origin: germline.

GeneDx
Classification: Uncertain significance. Last evaluated: 2025-12-08. Review status: criteria provided, single submitter. Criteria: GeneDx Variant Classification Process June 2021. Collection method: clinical testing. Allele origin: germline.
Comment: In silico analysis suggests that this missense variant does not alter protein structure/function; Has not been previously published as pathogenic or benign to our knowledge

Ambry Genetics
Classification: Uncertain significance for Inborn genetic diseases. Last evaluated: 2025-03-10. Review status: criteria provided, single submitter. Criteria: Ambry Variant Classification Scheme 2023. Collection method: clinical testing. Allele origin: germline.

Blueprint Genetics
Classification: Uncertain significance. Last evaluated: 2024-10-23. Review status: criteria provided, single submitter. Criteria: ACMG Guidelines, 2015. Collection method: clinical testing. Allele origin: germline.

Fulgent Genetics
Classification: Uncertain significance for Hypotonia, infantile, with psychomotor retardation and characteristic facies 2. Last evaluated: 2022-05-19. Review status: criteria provided, single submitter. Criteria: ACMG Guidelines, 2015. Collection method: clinical testing. Allele origin: unknown.

Laboratorio de Genetica e Diagnostico Molecular, Hospital Israelita Albert Einstein
Classification: Uncertain significance. Last evaluated: 2020-03-10. Review status: criteria provided, single submitter. Criteria: ACMG Guidelines, 2015. Collection method: clinical testing. Allele origin: germline. Affected: yes.
Comment: ACMG classification criteria: PM2, BP4

Baylor Genetics
Classification: Uncertain significance for Hypotonia, infantile, with psychomotor retardation and characteristic facies 2. Last evaluated: 2018-07-24. Review status: criteria provided, single submitter. Criteria: ACMG Guidelines, 2015. Collection method: clinical testing. Allele origin: unknown. Affected: yes.
Comment: This variant was determined to be of uncertain significance according to ACMG Guidelines, 2015 [PMID:25741868].